The following is an entry in ClinVar:

ClinVar aggregate classification (germline): Uncertain significance (1 of 4 stars; one submission).

Conditions:
Congenital myasthenic syndrome 8. Also called: MYASTHENIC SYNDROME, CONGENITAL, DUE TO AGRIN DEFICIENCY; Myasthenic syndrome, congenital, 8, with pre- and postsynaptic defects. Identifiers: Orphanet 590, MedGen C3808739, MONDO:0014052, OMIM 615120.

gnomAD v4.1: 2 of 1,612,934 alleles (0.00012%); highest among the groups gnomAD compares: Non-Finnish European, 0.000085%; no homozygotes.

Submission:

Labcorp Genetics (formerly Invitae), Labcorp
Classification: Uncertain significance for Congenital myasthenic syndrome 8. Last evaluated: 2022-03-09. Review status: criteria provided, single submitter. Criteria: Invitae Variant Classification Sherloc (09022015). Collection method: clinical testing. Allele origin: germline.
Comment: In summary, the available evidence is currently insufficient to determine the role of this variant in disease. Therefore, it has been classified as a Variant of Uncertain Significance. Algorithms developed to predict the effect of missense changes on protein structure and function are either unavailable or do not agree on the potential impact of this missense change (SIFT: "Deleterious"; PolyPhen-2: "Benign"; Align-GVGD: "Class C0"). ClinVar contains an entry for this variant (Variation ID: 940225). This variant has not been reported in the literature in individuals affected with AGRN-related conditions. This variant is not present in population databases (gnomAD no frequency). This sequence change replaces threonine, which is neutral and polar, with isoleucine, which is neutral and non-polar, at codon 1653 of the AGRN protein (p.Thr1653Ile).

NM_198576.4(AGRN):c.4958C>T (p.Thr1653Ile)

Gene: AGRN (agrin; plus strand). Cytogenetic location: 1p36.33.
Variant type: single nucleotide variant.
Coding change: c.4958C>T on transcript NM_198576.4 (MANE Select); coding-DNA position 4958, C replaced by T.
Protein change: p.Thr1653Ile; replaces threonine 1653 with isoleucine.
Molecular consequence: missense variant.
Genome position (GRCh38, 1-based): chr1:1,050,311, C>T. VCF-style: chr1-1050311-C-T. GRCh37 (hg19) VCF-style: chr1-985691-C-T.
Other names: c.4958C>T, p.Thr1653Ile (NM_001305275.2); c.4643C>T, p.Thr1548Ile (NM_001364727.2); short protein forms T1653I, T1548I.
Identifiers: ClinVar variation 940225 (VCV000940225.9), dbSNP rs775832705, ClinGen allele CA337779769.